The following is an entry in ClinVar:

NM_004006.3(DMD):c.10561C>A (p.Gln3521Lys)

Gene: DMD (dystrophin; minus strand). Cytogenetic location: Xp21.2.
Variant type: single nucleotide variant.
Coding change: c.10561C>A on transcript NM_004006.3 (MANE Select); coding-DNA position 10561, C replaced by A.
Protein change: p.Gln3521Lys; replaces glutamine 3521 with lysine.
Molecular consequence: missense variant.
Genome position (GRCh38, 1-based): chrX:31,147,511, G>T on the plus strand (C>A on the coding strand, the complement: DMD is on the minus strand). VCF-style: chrX-31147511-G-T. GRCh37 (hg19) VCF-style: chrX-31165628-G-T.
Other names: c.10537C>A, p.Gln3513Lys (NM_000109.4); c.10549C>A, p.Gln3517Lys (NM_004009.3); c.10192C>A, p.Gln3398Lys (NM_004010.3); c.6538C>A, p.Gln2180Lys (NM_004011.4); c.6529C>A, p.Gln2177Lys (NM_004012.4); c.3181C>A, p.Gln1061Lys (NM_004013.3, NM_004021.3); c.2374C>A, p.Gln792Lys (NM_004014.3); c.1357C>A, p.Gln453Lys (NM_004015.3, NM_004016.3); and 3 more; short protein forms Q1048K, Q1061K, Q2177K, Q2180K, Q3398K, Q3513K, Q3517K, Q3521K.
Identifiers: ClinVar variation 3337032 (VCV003337032.3).

ClinVar aggregate classification (germline): Uncertain significance. Review status: criteria provided, multiple submitters, no conflicts (2 of 4 stars). 3 submissions from 3 submitters: Uncertain significance (3). Last evaluated 2026-05-21.

Conditions:
Progressive muscular dystrophy. Identifiers: Orphanet 206644, MedGen C4551827, MONDO:0016106.

gnomAD v4.1: 1 of 1,184,756 alleles (0.000084%); highest among the groups gnomAD compares: Non-Finnish European, 0.00011%; no homozygotes.

Submissions (3):

Myriad Genetics, Inc.
Classification: Uncertain significance for Progressive muscular dystrophy. Last evaluated: 2026-05-21. Review status: criteria provided, single submitter. Criteria: Myriad Autosomal Dominant, Autosomal Recessive and X-Linked Classification Criteria (2023). Collection method: clinical testing. Allele origin: unknown.
Comment: NM_004006.2(DMD):c.10561C>A(Q3521K) is a missense variant classified as a variant of uncertain significance in the context of dystrophinopathy (including Duchenne/Becker muscular dystrophy). Q3521K has been observed in a case with relevant disease (PMID: 19937601). Relevant functional assessments of this variant are not available in the literature. Q3521K has been observed in referenced population frequency databases. In summary, there is insufficient evidence to classify NM_004006.2(DMD):c.10561C>A(Q3521K) as pathogenic or benign. Please note: this variant was assessed in the context of healthy population screening.

GeneDx
Classification: Uncertain significance. Last evaluated: 2025-02-03. Review status: criteria provided, single submitter. Criteria: GeneDx Variant Classification Process June 2021. Collection method: clinical testing. Allele origin: germline. Affected: yes.
Comment: Not observed at significant frequency in large population cohorts (gnomAD); In silico analysis supports that this missense variant has a deleterious effect on protein structure/function; Missense variant in a gene in which most reported pathogenic variants are truncating/loss of function; This variant is associated with the following publications: (PMID: 25525159, 25220406, 19937601)

Clinical Genetics Laboratory, Skane University Hospital Lund
Classification: Uncertain significance. Last evaluated: 2022-05-30. Review status: criteria provided, single submitter. Criteria: ACMG Guidelines, 2015. Collection method: clinical testing. Allele origin: germline. Affected: yes.

Literature cited by the submitters: PubMed 19937601 (cited by Myriad Genetics, Inc.).